The following is an entry in ClinVar:

NM_016203.4(PRKAG2):c.346C>T (p.Arg116Cys)

Gene: PRKAG2 (protein kinase AMP-activated non-catalytic subunit gamma 2; minus strand). Cytogenetic location: 7q36.1.
Variant type: single nucleotide variant.
Coding change: c.346C>T on transcript NM_016203.4 (MANE Select); coding-DNA position 346, C replaced by T.
Protein change: p.Arg116Cys; replaces arginine 116 with cysteine.
Molecular consequence: missense variant.
Genome position (GRCh38, 1-based): chr7:151,781,272, G>A on the plus strand (C>T on the coding strand, the complement: PRKAG2 is on the minus strand). VCF-style: chr7-151781272-G-A. GRCh37 (hg19) VCF-style: chr7-151478358-G-A.
Other names: p.R116C:CGC>TGC; c.214C>T, p.Arg72Cys (NM_001040633.2); short protein forms R116C, R72C.
Identifiers: ClinVar variation 181491 (VCV000181491.23), dbSNP rs730880989, ClinGen allele CA014161.

ClinVar aggregate classification (germline): Conflicting classifications of pathogenicity. Review status: criteria provided, conflicting classifications (1 of 4 stars). 8 submissions from 8 submitters: Uncertain significance (7); Likely benign (1). Last evaluated 2025-09-27.

Conditions:
Cardiovascular phenotype. Identifiers: MedGen CN230736.
Cardiomyopathy (CMYO). Also called: Cardiomyopathies. Identifiers: Orphanet 167848, MedGen C0878544, MONDO:0004994, HP:0001638. Inheritance: Various modes of inheritance.
Lethal congenital glycogen storage disease of heart. Also called: GLYCOGEN STORAGE DISEASE OF HEART; PHOSPHORYLASE KINASE DEFICIENCY OF HEART. Identifiers: Orphanet 439854, MedGen C1849813, MONDO:0009867, OMIM 261740.
Hypertrophic cardiomyopathy. Also called: HYPERTROPHIC MYOCARDIOPATHY. Identifiers: Orphanet 217569, MedGen C0007194, MeSH D002312, MONDO:0005045, HP:0001639.

Allele frequency attached by ClinVar (database versions not stated): gnomAD exomes 0.00001 and 0.00004; ExAC 0.00003; gnomAD 0.00003 and 0.00004; TOPMed 0.00003.
gnomAD v4.1: 23 of 1,614,000 alleles (0.0014%); highest among the groups gnomAD compares: East Asian, 0.011%; no homozygotes.

Submissions (8):

Labcorp Genetics (formerly Invitae), Labcorp
Classification: Likely benign for Lethal congenital glycogen storage disease of heart. Last evaluated: 2025-09-27. Review status: criteria provided, single submitter. Criteria: Invitae Variant Classification Sherloc (09022015). Collection method: clinical testing. Allele origin: germline.

Mayo Clinic Laboratories, Mayo Clinic
Classification: Uncertain significance. Last evaluated: 2024-11-08. Review status: criteria provided, single submitter. Criteria: ACMG Guidelines, 2015. Collection method: clinical testing. Allele origin: germline. Observed: 1 variant allele.
Comment: BS2

Ambry Genetics
Classification: Uncertain significance for Cardiovascular phenotype. Last evaluated: 2023-12-21. Review status: criteria provided, single submitter. Criteria: Ambry Variant Classification Scheme 2023. Collection method: clinical testing. Allele origin: germline.
Comment: The p.R116C variant (also known as c.346C>T), located in coding exon 3 of the PRKAG2 gene, results from a C to T substitution at nucleotide position 346. The arginine at codon 116 is replaced by cysteine, an amino acid with highly dissimilar properties. This amino acid position is conserved. In addition, the in silico prediction for this alteration is inconclusive. Since supporting evidence is limited at this time, the clinical significance of this alteration remains unclear.

All of Us Research Program, National Institutes of Health
Classification: Uncertain significance for Hypertrophic cardiomyopathy. Last evaluated: 2023-12-18. Review status: criteria provided, single submitter. Criteria: ACMG Guidelines, 2015. Collection method: clinical testing. Allele origin: germline. Inheritance: Autosomal dominant inheritance. Observed: 3 variant alleles, 3 heterozygotes.
Comment: This missense variant replaces arginine with cysteine at codon 116 of the PRKAG2 protein. Computational prediction suggests that this variant may not impact protein structure and function (internally defined REVEL score threshold <= 0.5, PMID: 27666373). To our knowledge, functional studies have not been reported for this variant. This variant has not been reported in individuals affected with PRKAG2-related disorders in the literature. This variant has been identified in 10/251238 chromosomes in the general population by the Genome Aggregation Database (gnomAD). The available evidence is insufficient to determine the role of this variant in disease conclusively. Therefore, this variant is classified as a Variant of Uncertain Significance.

This study involves interpretation of variants in research participants for the purpose of population health screening. Participant phenotype was not available at the time of variant classification. Additional details can be found in publication PMID: 35346344, PMCID: PMC8962531

Color Diagnostics, LLC DBA Color Health
Classification: Uncertain significance for Cardiomyopathy. Last evaluated: 2023-11-16. Review status: criteria provided, single submitter. Criteria: ACMG Guidelines, 2015. Collection method: clinical testing. Allele origin: germline.
Comment: This missense variant replaces arginine with cysteine at codon 116 of the PRKAG2 protein. Computational prediction suggests that this variant may not impact protein structure and function (internally defined REVEL score threshold <= 0.5, PMID: 27666373). To our knowledge, functional studies have not been reported for this variant. This variant has not been reported in individuals affected with PRKAG2-related disorders in the literature. This variant has been identified in 10/251238 chromosomes in the general population by the Genome Aggregation Database (gnomAD). The available evidence is insufficient to determine the role of this variant in disease conclusively. Therefore, this variant is classified as a Variant of Uncertain Significance.

CHEO Genetics Diagnostic Laboratory, Children's Hospital of Eastern Ontario
Classification: Uncertain significance for Cardiomyopathy. Last evaluated: 2021-09-23. Review status: criteria provided, single submitter. Criteria: ACMG Guidelines, 2015. Collection method: clinical testing. Allele origin: germline.

Laboratory for Molecular Medicine, Mass General Brigham Personalized Medicine
Classification: Uncertain significance. Last evaluated: 2017-02-22. Review status: criteria provided, single submitter. Criteria: LMM Criteria. Collection method: clinical testing. Allele origin: germline. Observed: 1 variant allele.
Comment: The p.Arg116Cys variant in PRKAG2 has not been previously reported in individual s with cardiomyopathy, but has been identified in 3/66538 European chromosomes b y the Exome Aggregation Consortium (ExAC; dbSNP rs730880989) and in ClinVar (Variation ID 181491) as a variant of uncertain sign ificance. Computational prediction tools and conservation analysis suggest that the p.Arg116Cys variant may impact the protein, though this information is not p redictive enough to determine pathogenicity. In summary, the clinical significan ce of the p.Arg116Cys variant is uncertain.

GeneDx
Classification: Uncertain significance. Last evaluated: 2014-09-08. Review status: criteria provided, single submitter. Criteria: GeneDx Variant Classification (06012015). Collection method: clinical testing. Allele origin: germline. Affected: yes.
Comment: p.Arg116Cys (CGC>TGC): c.346 C>T in exon 3 of the PRKAG2 gene (NM_016203.3). A variant of unknown significance has been identified in the PRKAG2 gene. The R116C variant has not been published as a mutation or as a benign polymorphism to our knowledge. The R116C variant was not observed in approximately 6,500 individuals of European and African American ancestry in the NHLBI Exome Sequencing Project, indicating it is not a common benign variant in these populations. Additionally, the R116C variant is a non-conservative amino acid substitution, which is likely to impact secondary protein structure as these residues differ in polarity, charge, size and/or other properties. This substitution occurs at a position that is conserved by class across species. Furthermore, in silico analysis predicts this variant is probably damaging to the protein structure/function. However, no missense mutations in nearby residues have been reported in association with cardiomyopathy, indicating this region of the protein may be tolerant of change. Therefore, based on the currently available information, it is unclear whether this variant is a pathogenic mutation or a rare benign variant. The variant is found in CARDIOMYOPATHY panel(s).